The following is an entry in ClinVar:

NM_001193315.2(VIPAS39):c.247G>A (p.Glu83Lys)

Gene: VIPAS39 (VPS33B interacting protein, apical-basolateral polarity regulator, spe-39 homolog; minus strand). Cytogenetic location: 14q24.3.
Variant type: single nucleotide variant.
Coding change: c.247G>A on transcript NM_001193315.2 (MANE Select); coding-DNA position 247, G replaced by A.
Protein change: p.Glu83Lys; replaces glutamic acid 83 with lysine.
Molecular consequence: missense variant. On other transcripts: non-coding transcript variant (1), intron variant (4).
Genome position (GRCh38, 1-based): chr14:77,451,283, C>T on the plus strand (G>A on the coding strand, the complement: VIPAS39 is on the minus strand). VCF-style: chr14-77451283-C-T. GRCh37 (hg19) VCF-style: chr14-77917626-C-T.
Other names: c.247G>A, p.Glu83Lys (NM_001193314.2, NM_001193317.2, NM_001400326.1 and 11 more transcripts); c.197-1531G>A (NM_001400337.1, NM_001193316.2, NM_001400324.1 and 1 more transcripts); c.247G>A (NM_022067.3); short protein forms E83K.
Identifiers: ClinVar variation 3188573 (VCV003188573.3), dbSNP rs753677499, ClinGen allele CA7288154.
Genomic context (GRCh38, chr14:77,451,283, plus strand): 5'-GCTTGGGTAGTTGTGCATAGGAGGAGAAGCTGTTTCGGCTCTTTAGCTGTTCACGCCCCT[C>T]GTGGGTTGAGCCGCTATTACCAGCAGTCTCTCTGATGGACCATGAGATACCTGTGAGATA-3'
Protein context (NP_001180244.1, residues 73-93): ETAGNSGSTH[Glu83Lys]GREQLKSRNS

ClinVar aggregate classification (germline): Uncertain significance. Review status: criteria provided, multiple submitters, no conflicts (2 of 4 stars). 3 submissions from 3 submitters: Uncertain significance (3). Last evaluated 2024-10-25.

Conditions:
Inborn genetic diseases. Identifiers: MedGen C0950123, MeSH D030342.
Arthrogryposis, renal dysfunction, and cholestasis 2 (ARCS2). Identifiers: Orphanet 2697, MedGen C3150672, MONDO:0013255, OMIM 613404.

Allele frequency attached by ClinVar (database versions not stated): ExAC 0.00005; gnomAD 0.00006; TOPMed 0.00013.
gnomAD v4.1: 43 of 1,614,064 alleles (0.0027%); highest among the groups gnomAD compares: Admixed American, 0.045%; no homozygotes.

Submissions (3):

GeneDx
Classification: Uncertain significance. Last evaluated: 2024-10-25. Review status: criteria provided, single submitter. Criteria: GeneDx Variant Classification Process June 2021. Collection method: clinical testing. Allele origin: germline. Affected: yes.
Comment: In silico analysis indicates that this missense variant does not alter protein structure/function; Has not been previously published as pathogenic or benign to our knowledge

Fulgent Genetics
Classification: Uncertain significance for Arthrogryposis, renal dysfunction, and cholestasis 2. Last evaluated: 2024-04-10. Review status: criteria provided, single submitter. Criteria: ACMG Guidelines, 2015. Collection method: clinical testing. Allele origin: germline.

Ambry Genetics
Classification: Uncertain significance for Inborn genetic diseases. Last evaluated: 2023-11-14. Review status: criteria provided, single submitter. Criteria: Ambry Variant Classification Scheme 2023. Collection method: clinical testing. Allele origin: germline.